The following is an entry in ClinVar:

ClinVar aggregate classification (germline): Uncertain significance (1 of 4 stars; one submission).

Submission:

Labcorp Genetics (formerly Invitae), Labcorp
Classification: Uncertain significance. Last evaluated: 2024-02-17. Review status: criteria provided, single submitter. Criteria: Invitae Variant Classification Sherloc (09022015). Collection method: clinical testing. Allele origin: germline.
Comment: This sequence change replaces valine, which is neutral and non-polar, with leucine, which is neutral and non-polar, at codon 111 of the CD164 protein (p.Val111Leu). This variant also falls at the last nucleotide of exon 3, which is part of the consensus splice site for this exon. This variant is not present in population databases (gnomAD no frequency). This variant has not been reported in the literature in individuals affected with CD164-related conditions. ClinVar contains an entry for this variant (Variation ID: 2014659). An algorithm developed to predict the effect of missense changes on protein structure and function (PolyPhen-2) suggests that this variant is likely to be disruptive. Variants that disrupt the consensus splice site are a relatively common cause of aberrant splicing (PMID: 17576681, 9536098). Algorithms developed to predict the effect of sequence changes on RNA splicing suggest that this variant may create or strengthen a splice site. In summary, the available evidence is currently insufficient to determine the role of this variant in disease. Therefore, it has been classified as a Variant of Uncertain Significance.

Literature cited by the submitters: PubMed 17576681; PubMed 9536098.

NM_006016.6(CD164):c.331G>C (p.Val111Leu)

Gene: CD164 (CD164 molecule; minus strand). Cytogenetic location: 6q21.
Variant type: single nucleotide variant.
Coding change: c.331G>C on transcript NM_006016.6 (MANE Select); coding-DNA position 331, G replaced by C.
Protein change: p.Val111Leu; replaces valine 111 with leucine.
Molecular consequence: missense variant.
Genome position (GRCh38, 1-based): chr6:109,377,900, C>G on the plus strand (G>C on the coding strand, the complement: CD164 is on the minus strand). VCF-style: chr6-109377900-C-G. GRCh37 (hg19) VCF-style: chr6-109699103-C-G.
Other names: c.331G>C, p.Ala111Pro (NM_001142401.3); c.331G>C, p.Val111Leu (NM_001142402.3, NM_001142403.3, NM_001142404.3); c.229G>C, p.Val77Leu (NM_001346500.2); short protein forms A111P, V77L, V111L.
Identifiers: ClinVar variation 2014659 (VCV002014659.4), dbSNP rs142043630, ClinGen allele CA365197335.
Genomic context (GRCh38, chr6:109,377,900, plus strand): 5'-GGCAATGATCTTCCTCACCTCTCTGCGGTCAGCTTCCAAGCAGCCAATATGAATACTTAC[C>G]GGAACAGAAGTCTGTCGTGTTCCCCACTTGACAATCACTAACTGTTGAGTTATGTGAACA-3'
Protein context (NP_006007.2, residues 101-121): QVGNTTDFCS[Val111Leu]STATPVPTAN